The following is an entry in ClinVar:

ClinVar aggregate classification (germline): Uncertain significance (1 of 4 stars; one submission).

Submission:

Ambry Genetics
Classification: Uncertain significance. Last evaluated: 2023-03-29. Review status: criteria provided, single submitter. Criteria: Ambry Variant Classification Scheme 2023. Collection method: clinical testing. Allele origin: germline.
Comment: The p.S227P variant (also known as c.679T>C), located in coding exon 4 of the MNDA gene, results from a T to C substitution at nucleotide position 679. The serine at codon 227 is replaced by proline, an amino acid with similar properties. This amino acid position is conserved. In addition, this alteration is predicted to be tolerated by in silico analysis. Since supporting evidence is limited at this time, the clinical significance of this alteration remains unclear.

NM_002432.3(MNDA):c.679T>C (p.Ser227Pro)

Gene: MNDA (myeloid cell nuclear differentiation antigen; plus strand). Cytogenetic location: 1q23.1.
Variant type: single nucleotide variant.
Coding change: c.679T>C on transcript NM_002432.3 (MANE Select); coding-DNA position 679, T replaced by C.
Protein change: p.Ser227Pro; replaces serine 227 with proline.
Molecular consequence: missense variant.
Genome position (GRCh38, 1-based): chr1:158,845,695, T>C. VCF-style: chr1-158845695-T-C. GRCh37 (hg19) VCF-style: chr1-158815485-T-C.
Other names: short protein forms S227P.
Identifiers: ClinVar variation 2563140 (VCV002563140.2), dbSNP rs2526087463, ClinGen allele CA343041037.